The following is an entry in ClinVar:

NM_004260.4(RECQL4):c.2924del (p.Pro975fs)

Gene: RECQL4 (RecQ like helicase 4; minus strand). Cytogenetic location: 8q24.3.
Variant type: Deletion.
Coding change: c.2924del on transcript NM_004260.4 (MANE Select); coding-DNA position 2924, one base deleted (C; older notation c.2924delC).
Protein change: p.Pro975fs; shifts the reading frame from proline 975.
Molecular consequence: frameshift variant. On other transcripts: non-coding transcript variant (3).
Genome position (GRCh38, 1-based): chr8:144,512,523, G deleted on the plus strand (C on the coding strand, the reverse complement: RECQL4 is on the minus strand); the first of 2 consecutive G bases (chr8:144,512,523-144,512,524); deleting either gives the same sequence. VCF-style (leftmost placement, unchanged base first): chr8-144512522-AG-A. GRCh37 (hg19) VCF-style: chr8-145737905-AG-A.
Other names: c.2630del, p.Pro877fs (NM_001413017.1); c.2726del, p.Pro909fs (NM_001413018.1); c.2999del, p.Pro1000fs (NM_001413019.1); c.2828del, p.Pro943fs (NM_001413020.1); c.1853del, p.Pro618fs (NM_001413021.1, NM_001413022.1, NM_001413024.1 and 4 more transcripts); c.1928del, p.Pro643fs (NM_001413023.1); c.2795del, p.Pro932fs (NM_001413025.1); c.1787del, p.Pro596fs (NM_001413027.1, NM_001413030.1, NM_001413032.1); and 9 more; short protein forms P596fs, P608fs, P621fs, P643fs, P909fs, P932fs, P877fs, P975fs.
Identifiers: ClinVar variation 3006871 (VCV003006871.3), dbSNP rs2537987421, ClinGen allele CA2689131009.

ClinVar aggregate classification (germline): Pathogenic (1 of 4 stars; one submission).

Conditions:
Baller-Gerold syndrome (BGS). Also called: CRANIOSYNOSTOSIS WITH RADIAL DEFECTS. Identifiers: Orphanet 1225, MedGen C0265308, MONDO:0009039, OMIM 218600.

Submission:

Labcorp Genetics (formerly Invitae), Labcorp
Classification: Pathogenic for Baller-Gerold syndrome. Last evaluated: 2023-09-04. Review status: criteria provided, single submitter. Criteria: Invitae Variant Classification Sherloc (09022015). Collection method: clinical testing. Allele origin: germline.
Comment: This variant has not been reported in the literature in individuals affected with RECQL4-related conditions. For these reasons, this variant has been classified as Pathogenic. This sequence change creates a premature translational stop signal (p.Pro975Leufs*69) in the RECQL4 gene. It is expected to result in an absent or disrupted protein product. Loss-of-function variants in RECQL4 are known to be pathogenic (PMID: 12734318, 12952869). This variant is not present in population databases (gnomAD no frequency).

Literature cited by the submitters: PubMed 12734318; PubMed 12952869.